The following is an entry in ClinVar:

NM_000274.4(OAT):c.1235T>C (p.Ile412Thr)

Gene: OAT (ornithine aminotransferase; minus strand). Cytogenetic location: 10q26.13.
Variant type: single nucleotide variant.
Coding change: c.1235T>C on transcript NM_000274.4 (MANE Select); coding-DNA position 1235, T replaced by C.
Protein change: p.Ile412Thr; replaces isoleucine 412 with threonine.
Molecular consequence: missense variant.
Genome position (GRCh38, 1-based): chr10:124,398,027, A>G on the plus strand (T>C on the coding strand, the complement: OAT is on the minus strand). VCF-style: chr10-124398027-A-G. GRCh37 (hg19) VCF-style: chr10-126086596-A-G.
Other names: c.821T>C, p.Ile274Thr (NM_001171814.2); c.1235T>C, p.Ile412Thr (NM_001322965.2, NM_001322966.2, NM_001322967.2 and 3 more transcripts); c.914T>C, p.Ile305Thr (NM_001322971.2); c.635T>C, p.Ile212Thr (NM_001322974.2); short protein forms I212T, I274T, I305T, I412T.
Identifiers: ClinVar variation 4059170 (VCV004059170.2).

ClinVar aggregate classification (germline): Likely pathogenic (1 of 4 stars; one submission).

Conditions:
Ornithine aminotransferase deficiency (GACR). Also called: HYPERORNITHINEMIA WITH GYRATE ATROPHY OF CHOROID AND RETINA; OAT DEFICIENCY; OKT DEFICIENCY; Ornithine ketoacid aminotransferase deficiency; Gyrate atrophy; Gyrate atrophy of choroid and retina. Identifiers: Orphanet 414, MedGen C0018425, MONDO:0009796, OMIM 258870.

Submission:

Natera, Inc.
Classification: Likely pathogenic for Gyrate atrophy. Last evaluated: 2025-05-01. Review status: criteria provided, single submitter. Criteria: Natera Variant Classification Schema (03/2026). Collection method: clinical testing. Allele origin: germline.
Comment: The c.1235T>C variant in OAT is a missense variant predicted to cause substitution of isoleucine to threonine at amino acid 412. This variant is rare in the general population with a frequency below the threshold expected for the associated phenotype(s). This variant has been observed in one or more individuals affected with the associated recessive disease, as either homozygous or compound heterozygous with a second variant (PMID: 39053126). This variant has been identified in one or more affected individuals with a phenotype highly consistent with the associated gene (PMID: 39053126). Computational prediction algorithms indicate this variant is likely to affect gene or protein function. Given the available evidence, this variant is classified as Likely Pathogenic.

Literature cited by the submitters: PubMed 39053126.